The following is an entry in ClinVar:

ClinVar aggregate classification (germline): Pathogenic (1 of 4 stars; one submission).

Conditions:
Glycogen storage disease, type V (GSD5). Also called: MCARDLE DISEASE; MUSCLE GLYCOGEN PHOSPHORYLASE DEFICIENCY; MYOPHOSPHORYLASE DEFICIENCY; PYGM DEFICIENCY; McArdle type glycogen storage disease. Identifiers: Orphanet 368, MedGen C0017924, MONDO:0009293, OMIM 232600.

Submission:

Labcorp Genetics (formerly Invitae), Labcorp
Classification: Pathogenic for Glycogen storage disease, type V. Last evaluated: 2024-10-16. Review status: criteria provided, single submitter. Criteria: Invitae Variant Classification Sherloc (09022015). Collection method: clinical testing. Allele origin: germline.
Comment: This sequence change creates a premature translational stop signal (p.Met619Aspfs*16) in the PYGM gene. It is expected to result in an absent or disrupted protein product. Loss-of-function variants in PYGM are known to be pathogenic (PMID: 8316268, 16786513). This variant is not present in population databases (gnomAD no frequency). This variant has not been reported in the literature in individuals affected with PYGM-related conditions. ClinVar contains an entry for this variant (Variation ID: 1410779). For these reasons, this variant has been classified as Pathogenic.

Literature cited by the submitters: PubMed 8316268; PubMed 16786513.

NM_005609.4(PYGM):c.1853dup (p.Met619fs)

Gene: PYGM (glycogen phosphorylase, muscle associated; minus strand). Cytogenetic location: 11q13.1.
Variant type: Duplication.
Coding change: c.1853dup on transcript NM_005609.4 (MANE Select); coding-DNA position 1853, one base duplicated (A; older notation c.1853dupA).
Protein change: p.Met619fs; shifts the reading frame from methionine 619.
Molecular consequence: frameshift variant.
Genome position (GRCh38, 1-based): chr11:64,751,441, T duplicated on the plus strand (A on the coding strand, the reverse complement: PYGM is on the minus strand); the first of 2 consecutive T bases (chr11:64,751,441-64,751,442); duplicating either gives the same sequence. VCF-style (leftmost placement, unchanged base first): chr11-64751440-C-CT. GRCh37 (hg19) VCF-style: chr11-64518912-C-CT.
Other names: c.1589dup, p.Met531fs (NM_001164716.1); short protein forms M531fs, M619fs.
Identifiers: ClinVar variation 1410779 (VCV001410779.6), dbSNP rs2135829844, ClinGen allele CA2573147418.